The following is an entry in ClinVar:

ClinVar aggregate classification (germline): Uncertain significance (0 of 4 stars; one submission).

Conditions:
ALMS1-related disorder. Also called: ALMS1-related condition.

Submission:

PreventionGenetics, part of Exact Sciences
Classification: Uncertain significance for ALMS1-related condition. Last evaluated: 2024-03-21. Review status: no assertion criteria provided. Collection method: clinical testing. Allele origin: germline.
Comment: The ALMS1 c.9943G>A variant is predicted to result in the amino acid substitution p.Val3315Met. To our knowledge, this variant has not been reported in the literature. This variant is reported in 0.0031% of alleles in individuals of European (Non-Finnish) descent in gnomAD. At this time, the clinical significance of this variant is uncertain due to the absence of conclusive functional and genetic evidence.

NM_001378454.1(ALMS1):c.9940G>A (p.Ala3314Thr)

Gene: ALMS1 (ALMS1 centrosome and basal body associated protein; plus strand). Cytogenetic location: 2p13.1.
Variant type: single nucleotide variant.
Coding change: c.9940G>A on transcript NM_001378454.1 (MANE Select); coding-DNA position 9940, G replaced by A.
Protein change: p.Ala3314Thr; replaces alanine 3314 with threonine.
Molecular consequence: missense variant.
Genome position (GRCh38, 1-based): chr2:73,550,299, G>A. VCF-style: chr2-73550299-G-A. GRCh37 (hg19) VCF-style: chr2-73777426-G-A.
Other names: c.9943G>A, p.Ala3315Thr (NM_015120.4); short protein forms A3314T, A3315T.
Identifiers: ClinVar variation 3357584 (VCV003357584.1).